The following is an entry in ClinVar:

ClinVar aggregate classification (germline): Uncertain significance. Review status: criteria provided, multiple submitters, no conflicts (2 of 4 stars). 2 submissions from 2 submitters: Uncertain significance (2). Last evaluated 2023-09-07.

Conditions:
Hereditary cancer-predisposing syndrome. Also called: Tumor predisposition; Hereditary neoplastic syndrome; Neoplastic Syndromes, Hereditary; Hereditary Cancer Syndrome. Identifiers: Orphanet 140162, MedGen C0027672, MeSH D009386, MONDO:0015356.
Birt-Hogg-Dube syndrome. Also called: Birt Hogg Dubé syndrome. Identifiers: Orphanet 122, MedGen C0346010, MONDO:0800444.

Submissions (2):

Ambry Genetics
Classification: Uncertain significance for Hereditary cancer-predisposing syndrome. Last evaluated: 2023-09-07. Review status: criteria provided, single submitter. Criteria: Ambry Variant Classification Scheme 2023. Collection method: clinical testing. Allele origin: germline.
Comment: The p.V312L variant (also known as c.934G>C), located in coding exon 6 of the FLCN gene, results from a G to C substitution at nucleotide position 934. The valine at codon 312 is replaced by leucine, an amino acid with highly similar properties. This amino acid position is poorly conserved in available vertebrate species. In addition, this alteration is predicted to be tolerated by in silico analysis. Since supporting evidence is limited at this time, the clinical significance of this alteration remains unclear.

Labcorp Genetics (formerly Invitae), Labcorp
Classification: Uncertain significance for Birt-Hogg-Dube syndrome. Last evaluated: 2022-08-15. Review status: criteria provided, single submitter. Criteria: Invitae Variant Classification Sherloc (09022015). Collection method: clinical testing. Allele origin: germline.
Comment: This variant has not been reported in the literature in individuals affected with FLCN-related conditions. This sequence change replaces valine, which is neutral and non-polar, with leucine, which is neutral and non-polar, at codon 312 of the FLCN protein (p.Val312Leu). This variant is not present in population databases (gnomAD no frequency). ClinVar contains an entry for this variant (Variation ID: 1382962). Algorithms developed to predict the effect of missense changes on protein structure and function (SIFT, PolyPhen-2, Align-GVGD) all suggest that this variant is likely to be tolerated. In summary, the available evidence is currently insufficient to determine the role of this variant in disease. Therefore, it has been classified as a Variant of Uncertain Significance.

NM_144997.7(FLCN):c.934G>C (p.Val312Leu)

Gene: FLCN (folliculin; minus strand). Cytogenetic location: 17p11.2.
Variant type: single nucleotide variant.
Coding change: c.934G>C on transcript NM_144997.7 (MANE Select); coding-DNA position 934, G replaced by C.
Protein change: p.Val312Leu; replaces valine 312 with leucine.
Molecular consequence: missense variant.
Genome position (GRCh38, 1-based): chr17:17,219,147, C>G on the plus strand (G>C on the coding strand, the complement: FLCN is on the minus strand). VCF-style: chr17-17219147-C-G. GRCh37 (hg19) VCF-style: chr17-17122461-C-G.
Other names: c.934G>C (NM_144997.5); c.988G>C, p.Val330Leu (NM_001353229.2); c.934G>C, p.Val312Leu (NM_001353230.2, NM_001353231.2); short protein forms V312L, V330L.
Identifiers: ClinVar variation 1382962 (VCV001382962.8), dbSNP rs2144896983, ClinGen allele CA398532972.
Genomic context (GRCh38, chr17:17,219,147, plus strand): 5'-GAGAGGAGGACTCTGCCGGGCCCTGGGTCAGCTCCCGCCCTTCTGTACTCTCTGGCAACA[C>G]AGGGGCTTTCTCCTCCTCTTCAGCCTCAGAGTTGTCCCAGCTTTCTGATTCCTCTTCTAA-3'
Protein context (NP_659434.2, residues 302-322): SEAEEEEKAP[Val312Leu]LPESTEGREL